The following is an entry in ClinVar:

ClinVar aggregate classification (germline): Uncertain significance. Review status: criteria provided, multiple submitters, no conflicts (2 of 4 stars). 2 submissions from 2 submitters: Uncertain significance (2). Last evaluated 2025-10-22.

Conditions:
COL18A1-related disorder. Also called: COL18A1-related disorders; COL18A1-related condition.

Allele frequency attached by ClinVar (database versions not stated): gnomAD exomes below 0.00001.
gnomAD v4.1: 17 of 1,588,936 alleles (0.0011%); highest among the groups gnomAD compares: Non-Finnish European, 0.0014%; no homozygotes.

Submissions (2):

PreventionGenetics, part of Exact Sciences
Classification: Uncertain significance for COL18A1-related condition. Last evaluated: 2025-10-22. Review status: criteria provided, single submitter. Criteria: ACMG Guidelines, 2015. Collection method: clinical testing. Allele origin: germline.
Comment: The COL18A1 c.2539C>T variant is predicted to result in the amino acid substitution p.Leu847Phe. To our knowledge, this variant has not been reported in the literature. This variant is reported in 0.0011% of alleles in individuals of European (Non-Finnish) descent in gnomAD. At this time, the clinical significance of this variant is uncertain due to the absence of conclusive functional and genetic evidence.

Labcorp Genetics (formerly Invitae), Labcorp
Classification: Uncertain significance. Last evaluated: 2022-07-27. Review status: criteria provided, single submitter. Criteria: Invitae Variant Classification Sherloc (09022015). Collection method: clinical testing. Allele origin: germline.
Comment: This sequence change replaces leucine, which is neutral and non-polar, with phenylalanine, which is neutral and non-polar, at codon 667 of the COL18A1 protein (p.Leu667Phe). This variant is not present in population databases (gnomAD no frequency). This variant has not been reported in the literature in individuals affected with COL18A1-related conditions. ClinVar contains an entry for this variant (Variation ID: 1444142). Experimental studies and prediction algorithms are not available or were not evaluated, and the functional significance of this variant is currently unknown. In summary, the available evidence is currently insufficient to determine the role of this variant in disease. Therefore, it has been classified as a Variant of Uncertain Significance.

NM_001379500.1(COL18A1):c.1999C>T (p.Leu667Phe)

Gene: COL18A1 (collagen type XVIII alpha 1 chain; plus strand). Cytogenetic location: 21q22.3.
Variant type: single nucleotide variant.
Coding change: c.1999C>T on transcript NM_001379500.1 (MANE Select); coding-DNA position 1999, C replaced by T.
Protein change: p.Leu667Phe; replaces leucine 667 with phenylalanine.
Molecular consequence: missense variant.
Genome position (GRCh38, 1-based): chr21:45,490,314, C>T. VCF-style: chr21-45490314-C-T. GRCh37 (hg19) VCF-style: chr21-46910228-C-T.
Other names: c.2539C>T, p.Leu847Phe (NM_030582.4); c.3244C>T, p.Leu1082Phe (NM_130444.3); c.2539C>T (NM_030582.3); short protein forms L847F, L667F, L1082F.
Identifiers: ClinVar variation 1444142 (VCV001444142.4), dbSNP rs1450913709, ClinGen allele CA410496769.